The following is an entry in ClinVar:

NM_006218.4(PIK3CA):c.115G>A (p.Glu39Lys)

Gene: PIK3CA (phosphatidylinositol-4,5-bisphosphate 3-kinase catalytic subunit alpha; plus strand). Cytogenetic location: 3q26.32.
Variant type: single nucleotide variant.
Coding change: c.115G>A on transcript NM_006218.4 (MANE Select); coding-DNA position 115, G replaced by A.
Protein change: p.Glu39Lys; replaces glutamic acid 39 with lysine.
Molecular consequence: missense variant.
Genome position (GRCh38, 1-based): chr3:179,198,940, G>A. VCF-style: chr3-179198940-G-A. GRCh37 (hg19) VCF-style: chr3-178916728-G-A.
Other names: short protein forms E39K.
Identifiers: ClinVar variation 3258061 (VCV003258061.3).
Genomic context (GRCh38, chr3:179,198,940, plus strand): 5'-AGAATCCTAGTAGAATGTTTACTACCAAATGGAATGATAGTGACTTTAGAATGCCTCCGT[G>A]AGGCTACATTAATAACCATAAAGCATGAACTATTTAAAGAAGCAAGAAAATACCCCCTCC-3'
Protein context (NP_006209.2, residues 29-49): GMIVTLECLR[Glu39Lys]ATLITIKHEL

ClinVar aggregate classification (germline): Likely pathogenic (1 of 4 stars; one submission).
ClinVar aggregate classification (oncogenicity): Likely oncogenic (1 of 4 stars; one submission).

Conditions:
PIK3CA related overgrowth syndrome. Also called: PIK3CA related overgrowth spectrum; PIK3CA-Related Segmental Overgrowth. Identifiers: Orphanet 530313, MedGen C4728213, MONDO:1040002.
Neoplasm. Also called: tumor; Neoplasms; Neoplasm (disease). Identifiers: MedGen C0027651, MeSH D009369, MONDO:0005070, HP:0002664.

Submissions (2):

Center for Genomic Medicine, Rigshospitalet, Copenhagen University Hospital
Classification: Likely oncogenic for Neoplasm. Last evaluated: 2025-03-04. Review status: criteria provided, single submitter. Criteria: ClinGen/CGC/VICC Guidelines for Oncogenicity, 2022. Collection method: clinical testing. Allele origin: somatic. Affected: yes.

Clinical Genomics Laboratory, Washington University in St. Louis
Classification: Likely pathogenic for PIK3CA-related overgrowth syndrome. Last evaluated: 2024-09-26. Review status: criteria provided, single submitter. Criteria: Leon-Quintero et al. (Clin Genet. 2025). Collection method: clinical testing. Allele origin: somatic. Affected: yes.
Comment: A PIK3CA c.115G>A (p.Glu39Lys) variant was identified at an allelic fraction (~17%) consistent with somatic origin. This variant, to our knowledge, has not been reported in the medical literature in a patient with PIK3CA-related overgrowth spectrum, but has been identified in numerous cancer types both in the literature and in the COSMIC database (Genomic mutation ID: COSV55904673). It is absent from the general population (gnomAD v.2.1.1), indicating it is not a common variant. The PIK3CA c.115G>A (p.Glu39Lys) variant resides within the adaptor binding domain of PIK3CA that is defined as a critical functional domain (Lai A et al., PMID: 35997716). Functional studies show that cells expressing the PIK3CA p.Glu39Lys variant formed large, highly proliferative, abnormal structures in the matrix; in contrast, cells expressing wild-type PIK3CA were similar to control cells, indicating that this variant impacts protein function (Chen L et al., PMID: 29636477). The PIK3CA gene is defined by the ClinGen Brain Malformation expert panel as a gene that has a low rate of benign missense variation and where pathogenic missense variants are a common mechanism of disease (Lai A et al., PMID: 35997716). Based on available information and an internally developed protocol informed by the ACMG/AMP guidelines for variant interpretation and gene-specific practices from the ClinGen Criteria Specification Registry (Leon-Quintero FZ et al., PMID: 39434542), the PIK3CA c.115G>A (p.Glu39Lys) variant is classified as likely pathogenic.

Literature cited by the submitters: PubMed 29533785 (cited by Center for Genomic Medicine, Rigshospitalet, Copenhagen University Hospital); PubMed 29636477 (cited by Center for Genomic Medicine, Rigshospitalet, Copenhagen University Hospital).